The following is an entry in ClinVar:

ClinVar aggregate classification (germline): Conflicting classifications of pathogenicity. Review status: criteria provided, conflicting classifications (1 of 4 stars). 3 submissions from 3 submitters: Likely pathogenic (1); Uncertain significance (1). 1 of the submissions does not count toward it. Last evaluated 2024-04-23.

Conditions:
Charcot-Marie-Tooth disease. Also called: Charcot-Marie-Tooth Hereditary Neuropathy; Charcot-Marie-Tooth Neuropathy. Identifiers: Orphanet 166, MedGen C0007959, MONDO:0015626.

Submissions (3):

Athena Diagnostics
Classification: Likely pathogenic. Last evaluated: 2024-04-23. Review status: criteria provided, single submitter. Criteria: Athena Diagnostics Criteria. Collection method: clinical testing. Allele origin: unknown.
Comment: This variant has not been reported in large, multi-ethnic general populations. This variant has been identified in at least one individual with clinical features of autosomal dominant Charcot-Marie-Tooth disease. Polyphen and MutationTaster predict this amino acid change may be damaging to the protein. The variant is located in a region that is considered important for protein function and/or structure.

CeGaT Center for Human Genetics Tuebingen
Classification: Uncertain significance. Last evaluated: 2023-04-01. Review status: criteria provided, single submitter. Criteria: CeGaT Center For Human Genetics Tuebingen Variant Classification Criteria Version 2. Collection method: clinical testing. Allele origin: germline. Affected: yes. Observed: 1 variant allele.
Comment: MPZ: PM2, PS4:Moderate

Inherited Neuropathy Consortium
Classification: Uncertain significance for Charcot-Marie-Tooth disease. Review status: no assertion criteria provided. Collection method: literature only. Allele origin: germline. Affected: yes. Not counted in ClinVar's aggregate classification.

Literature cited by the submitters: PubMed 15555916 (cited by Athena Diagnostics); PubMed 31827005 (cited by Athena Diagnostics); PubMed 10923043 (cited by Athena Diagnostics); PubMed 25430934 (cited by Inherited Neuropathy Consortium).

NM_000530.8(MPZ):c.94G>T (p.Val32Phe)

Gene: MPZ (myelin protein zero; minus strand). Cytogenetic location: 1q23.3.
Variant type: single nucleotide variant.
Coding change: c.94G>T on transcript NM_000530.8 (MANE Select); coding-DNA position 94, G replaced by T.
Protein change: p.Val32Phe; replaces valine 32 with phenylalanine.
Molecular consequence: missense variant.
Genome position (GRCh38, 1-based): chr1:161,307,398, C>A on the plus strand (G>T on the coding strand, the complement: MPZ is on the minus strand). VCF-style: chr1-161307398-C-A. GRCh37 (hg19) VCF-style: chr1-161277188-C-A.
Other names: c.94G>T, p.Val32Phe (NM_001315491.2); c.94G>T (LRG_256t1); short protein forms V32F.
Identifiers: ClinVar variation 637434 (VCV000637434.29), dbSNP rs1034932344, ClinGen allele CA343351588.